The following is an entry in ClinVar:

ClinVar aggregate classification (germline): no classifications from unflagged records (0 of 4 stars; one submission).

Submission:

Bionano Laboratories
Classification: Uncertain significance. Last evaluated: 2017-05-03. Review status: flagged submission. Collection method: clinical testing. Allele origin: unknown.
ClinVar note: Notes: This submission was flagged because its interpretation of this variant conflicts with the ClinGen Gene Dosage Map curation for the gene NR4A2.
ClinVar note: Reason: Conflict with ClinGen Gene Dosage Map

GRCh37/hg19 2q24.1(chr2:157124370-157470128)x1

Genes: GPD2 (glycerol-3-phosphate dehydrogenase 2; plus strand), NR4A2 (nuclear receptor subfamily 4 group A member 2; minus strand). Cytogenetic location: 2q24.1.
Variant type: copy number loss.
Change: copy number 1 (one copy instead of two) of chr2:157,124,370-157,470,128 (345.8 kb, GRCh37 coordinates, 1-based), cytogenetic band 2q24.1.
Identifiers: ClinVar variation 686697 (VCV000686697.3).